The following is an entry in ClinVar:

ClinVar aggregate classification (germline): Pathogenic. Review status: reviewed by expert panel (3 of 4 stars). 4 submissions from 4 submitters: Pathogenic (1). 3 of the submissions do not count toward it. Last evaluated 2016-10-18.

Conditions:
Hereditary cancer-predisposing syndrome. Also called: Hereditary Cancer Syndrome; Neoplastic Syndromes, Hereditary; Hereditary neoplastic syndrome; Tumor predisposition. Identifiers: Orphanet 140162, MedGen C0027672, MeSH D009386, MONDO:0015356.
Hereditary breast ovarian cancer syndrome. Also called: Hereditary breast and ovarian cancer syndrome (HBOC); Breast and ovarian cancer; Hereditary breast and ovarian cancer syndrome; Hereditary breast and ovarian cancer; BRCA1- and BRCA2-Associated Hereditary Breast and Ovarian Cancer; Hereditary breast and/or ovarian cancer syndrome. Identifiers: Orphanet 145, MedGen C0677776, MeSH D061325, MONDO:0003582. Disease mechanism: loss of function.
Breast-ovarian cancer, familial, susceptibility to, 1 (BROVCA1). Also called: BRCA1 Hereditary Breast and Ovarian Cancer; OVARIAN CANCER, SUSCEPTIBILITY TO. Identifiers: Orphanet 145, MedGen C2676676, MONDO:0011450, OMIM 604370. Disease mechanism: loss of function.

Submissions (4):

Evidence-based Network for the Interpretation of Germline Mutant Alleles (ENIGMA)
Classification: Pathogenic for Breast-ovarian cancer, familial, susceptibility to, 1. Last evaluated: 2016-10-18. Review status: reviewed by expert panel. Criteria: ENIGMA BRCA1/2 Classification Criteria (2015). Collection method: curation. Allele origin: germline.
Comment: Variant allele predicted to encode a truncated non-functional protein.

Ambry Genetics
Classification: Pathogenic for Hereditary cancer-predisposing syndrome. Last evaluated: 2024-05-02. Review status: criteria provided, single submitter. Criteria: Ambry Variant Classification Scheme 2023. Collection method: clinical testing. Allele origin: germline. Not counted in ClinVar's aggregate classification.
Comment: The c.2637delA pathogenic mutation, located in coding exon 9 of the BRCA1 gene, results from a deletion of one nucleotide at nucleotide position 2637, causing a translational frameshift with a predicted alternate stop codon (p.E880Rfs*13). This variant is considered to be rare based on population cohorts in the Genome Aggregation Database (gnomAD). In addition to the clinical data presented in the literature, this alteration is expected to result in loss of function by premature protein truncation or nonsense-mediated mRNA decay. As such, this alteration is interpreted as a disease-causing mutation.

Consortium of Investigators of Modifiers of BRCA1/2 (CIMBA), c/o University of Cambridge
Classification: Pathogenic for Breast-ovarian cancer, familial, susceptibility to, 1. Last evaluated: 2015-10-02. Review status: criteria provided, single submitter. Criteria: CIMBA Mutation Classification guidelines May 2016. Collection method: clinical testing. Allele origin: germline. Not counted in ClinVar's aggregate classification.

Research Molecular Genetics Laboratory, Women's College Hospital, University of Toronto
Classification: Pathogenic for Hereditary breast ovarian cancer syndrome. Last evaluated: 2014-01-31. Review status: no assertion criteria provided. Collection method: research. Allele origin: germline. Affected: yes. Study: The Canadian Open Genetics Repository (COGR). Not counted in ClinVar's aggregate classification.

Literature cited by the submitters: PubMed 33573335 (cited by Ambry Genetics).

NM_007294.4(BRCA1):c.2637del (p.Glu880fs)

Gene: BRCA1 (BRCA1 DNA repair associated; minus strand). Cytogenetic location: 17q21.31.
Variant type: Deletion.
Coding change: c.2637del on transcript NM_007294.4 (MANE Select); coding-DNA position 2637, one base deleted (A; older notation c.2637delA).
Protein change: p.Glu880fs; shifts the reading frame from glutamic acid 880.
Molecular consequence: frameshift variant. On other transcripts: intron variant (137).
Genome position (GRCh38, 1-based): chr17:43,092,894, T deleted on the plus strand (A on the coding strand, the reverse complement: BRCA1 is on the minus strand); the first of 2 consecutive T bases (chr17:43,092,894-43,092,895); deleting either gives the same sequence. VCF-style (leftmost placement, unchanged base first): chr17-43092893-CT-C. GRCh37 (hg19) VCF-style: chr17-41244910-CT-C.
Other names: 2756delA-ter892; c.2424del, p.Glu809fs (NM_001407571.1, NM_001407853.1, NM_001407894.1 and 9 more transcripts); c.2637del, p.Glu880fs (NM_001407581.1, NM_001407582.1, NM_001407583.1 and 30 more transcripts); c.2634del, p.Glu879fs (NM_001407587.1, NM_001407590.1, NM_001407591.1 and 22 more transcripts); c.2628del, p.Glu877fs (NM_001407646.1, NM_001407647.1); c.2514del, p.Glu839fs (NM_001407648.1, NM_001407664.1, NM_001407665.1 and 19 more transcripts); c.2511del, p.Glu838fs (NM_001407649.1, NM_001407670.1, NM_001407671.1 and 11 more transcripts); c.2559del, p.Glu854fs (NM_001407653.1, NM_001407654.1, NM_001407655.1 and 4 more transcripts); and 43 more; short protein forms E833fs, E880fs, E584fs, E810fs, E877fs, E879fs, E712fs, E752fs.
Identifiers: ClinVar variation 266286 (VCV000266286.7), dbSNP rs886040056, ClinGen allele CA10589830.